The following is an entry in ClinVar:

ClinVar aggregate classification (germline): Uncertain significance. Review status: criteria provided, multiple submitters, no conflicts (2 of 4 stars). 2 submissions from 2 submitters: Uncertain significance (2). Last evaluated 2026-04-13.

Conditions:
SCLT1-related disorder. Also called: SCLT1-related condition.

Allele frequency attached by ClinVar (database versions not stated): gnomAD 0.00001; TOPMed 0.00004; ESP Exome Variant Server 0.00008.

Submissions (2):

PreventionGenetics, part of Exact Sciences
Classification: Uncertain significance for SCLT1-related condition. Last evaluated: 2026-04-13. Review status: criteria provided, single submitter. Criteria: ACMG Guidelines, 2015. Collection method: clinical testing. Allele origin: germline.
Comment: The SCLT1 c.1570C>T variant is predicted to result in the amino acid substitution p.Arg524Trp. To our knowledge, this variant has not been reported in the literature. This variant is reported in 0.0054% of alleles in individuals of East Asian descent in gnomAD. At this time, the clinical significance of this variant is uncertain due to the absence of conclusive functional and genetic evidence.

Labcorp Genetics (formerly Invitae), Labcorp
Classification: Uncertain significance. Last evaluated: 2021-09-24. Review status: criteria provided, single submitter. Criteria: Invitae Variant Classification Sherloc (09022015). Collection method: clinical testing. Allele origin: germline.
Comment: This sequence change replaces arginine with tryptophan at codon 524 of the SCLT1 protein (p.Arg524Trp). The arginine residue is weakly conserved and there is a moderate physicochemical difference between arginine and tryptophan. This variant is present in population databases (rs367930155, ExAC 0.002%). This variant has not been reported in the literature in individuals with SCLT1-related conditions. Algorithms developed to predict the effect of missense changes on protein structure and function (SIFT, PolyPhen-2, Align-GVGD) all suggest that this variant is likely to be disruptive, but these predictions have not been confirmed by published functional studies and their clinical significance is uncertain. In summary, the available evidence is currently insufficient to determine the role of this variant in disease. Therefore, it has been classified as a Variant of Uncertain Significance.

NM_144643.4(SCLT1):c.1570C>T (p.Arg524Trp)

Gene: SCLT1 (sodium channel and clathrin linker 1; minus strand). Cytogenetic location: 4q28.2.
Variant type: single nucleotide variant.
Coding change: c.1570C>T on transcript NM_144643.4 (MANE Select); coding-DNA position 1570, C replaced by T.
Protein change: p.Arg524Trp; replaces arginine 524 with tryptophan.
Molecular consequence: missense variant.
Genome position (GRCh38, 1-based): chr4:128,943,058, G>A on the plus strand (C>T on the coding strand, the complement: SCLT1 is on the minus strand). VCF-style: chr4-128943058-G-A. GRCh37 (hg19) VCF-style: chr4-129864213-G-A.
Other names: c.1570C>T (NM_144643.3); short protein forms R524W.
Identifiers: ClinVar variation 1409323 (VCV001409323.6), dbSNP rs367930155, ClinGen allele CA3079587.